The following is an entry in ClinVar:

NM_000038.6(APC):c.1744-15T>C

Gene: APC (APC regulator of Wnt signaling pathway; plus strand). Cytogenetic location: 5q22.2.
Variant type: single nucleotide variant.
Coding change: c.1744-15T>C on transcript NM_000038.6 (MANE Select); 15 bases into the intron before coding-DNA position 1744, T replaced by C.
Molecular consequence: intron variant.
Genome position (GRCh38, 1-based): chr5:112,834,936, T>C. VCF-style: chr5-112834936-T-C. GRCh37 (hg19) VCF-style: chr5-112170633-T-C.
Other names: c.1744-15T>C (NM_001354895.2, NM_001127510.3); c.1774-15T>C (NM_001354897.2); c.1471-15T>C (NM_001354902.2); c.1690-15T>C (NM_001127511.3); c.1669-15T>C (NM_001354898.2); c.1366-15T>C (NM_001354904.2); c.895-15T>C (NM_001354906.2); c.1798-15T>C (NM_001354896.2); and 5 more.
Identifiers: ClinVar variation 1984722 (VCV001984722.7), dbSNP rs2149840591, ClinGen allele CA2580072464.

ClinVar aggregate classification (germline): Likely benign. Review status: criteria provided, multiple submitters, no conflicts (2 of 4 stars). 3 submissions from 3 submitters: Likely benign (3). Last evaluated 2025-12-20.

Conditions:
Hereditary cancer-predisposing syndrome. Also called: Tumor predisposition; Hereditary neoplastic syndrome; Neoplastic Syndromes, Hereditary; Hereditary Cancer Syndrome. Identifiers: Orphanet 140162, MedGen C0027672, MeSH D009386, MONDO:0015356.
Familial adenomatous polyposis 1 (FAP1). Also called: POLYPOSIS, ADENOMATOUS INTESTINAL; FAMILIAL ADENOMATOUS POLYPOSIS 1, ATTENUATED. Identifiers: MedGen C2713442, MONDO:0021056, OMIM 175100. Disease mechanism: loss of function.

Allele frequency attached by ClinVar (database versions not stated): gnomAD exomes below 0.00001.
gnomAD v4.1: 2 of 1,610,042 alleles (0.00012%); highest among the groups gnomAD compares: Non-Finnish European, 0.00017%; no homozygotes.

Submissions (3):

Labcorp Genetics (formerly Invitae), Labcorp
Classification: Likely benign for Familial adenomatous polyposis 1. Last evaluated: 2025-12-20. Review status: criteria provided, single submitter. Criteria: Invitae Variant Classification Sherloc (09022015). Collection method: clinical testing. Allele origin: germline.

Myriad Genetics, Inc.
Classification: Likely benign for Familial adenomatous polyposis 1. Last evaluated: 2024-03-06. Review status: criteria provided, single submitter. Criteria: Myriad Autosomal Dominant, Autosomal Recessive and X-Linked Classification Criteria (2023). Collection method: clinical testing. Allele origin: unknown.
Comment: This variant is considered likely benign. This variant is intronic and is not expected to impact mRNA splicing.

Color Diagnostics, LLC DBA Color Health
Classification: Likely benign for Hereditary cancer-predisposing syndrome. Last evaluated: 2023-01-18. Review status: criteria provided, single submitter. Criteria: ACMG Guidelines, 2015. Collection method: clinical testing. Allele origin: germline.